The following is an entry in ClinVar:

NM_002519.3(NPAT):c.2867A>G (p.Gln956Arg)

Gene: NPAT (nuclear protein, coactivator of histone transcription; minus strand). Cytogenetic location: 11q22.3.
Variant type: single nucleotide variant.
Coding change: c.2867A>G on transcript NM_002519.3 (MANE Select); coding-DNA position 2867, A replaced by G.
Protein change: p.Gln956Arg; replaces glutamine 956 with arginine.
Molecular consequence: missense variant.
Genome position (GRCh38, 1-based): chr11:108,169,962, T>C on the plus strand (A>G on the coding strand, the complement: NPAT is on the minus strand). VCF-style: chr11-108169962-T-C. GRCh37 (hg19) VCF-style: chr11-108040689-T-C.
Other names: c.2867A>G, p.Gln956Arg (NM_001321307.1); short protein forms Q956R.
Identifiers: ClinVar variation 1337532 (VCV001337532.8), dbSNP rs1193920145, ClinGen allele CA382512063.
Genomic context (GRCh38, chr11:108,169,962, plus strand): 5'-CACCATTTTCAGTTCATAAATCTTACCTGCCGAGGAGGAGTAGAAAAGTTATTTCCATTC[T>C]GTCCAACCACAGATACTGGGATCATCCCTACCATTCCTTGGAGTACAGGCTGGACTGGAG-3'
Protein context (NP_002510.2, residues 946-966): VGMIPVSVVG[Gln956Arg]NGNNFSTPPR

ClinVar aggregate classification (germline): Uncertain significance. Review status: criteria provided, multiple submitters, no conflicts (2 of 4 stars). 2 submissions from 2 submitters: Uncertain significance (2). Last evaluated 2022-09-27.

Allele frequency attached by ClinVar (database versions not stated): gnomAD exomes below 0.00001.
gnomAD v4.1: 3 of 1,614,002 alleles (0.00019%); highest among the groups gnomAD compares: Middle Eastern, 0.033%; no homozygotes.

Submissions (2):

Labcorp Genetics (formerly Invitae), Labcorp
Classification: Uncertain significance. Last evaluated: 2022-09-27. Review status: criteria provided, single submitter. Criteria: Invitae Variant Classification Sherloc (09022015). Collection method: clinical testing. Allele origin: germline.
Comment: This sequence change replaces glutamine, which is neutral and polar, with arginine, which is basic and polar, at codon 956 of the NPAT protein (p.Gln956Arg). This variant is present in population databases (no rsID available, gnomAD no frequency). This variant has not been reported in the literature in individuals affected with NPAT-related conditions. ClinVar contains an entry for this variant (Variation ID: 1337532). Algorithms developed to predict the effect of missense changes on protein structure and function are either unavailable or do not agree on the potential impact of this missense change (SIFT: "Deleterious"; PolyPhen-2: "Probably Damaging"; Align-GVGD: "Class C0"). In summary, the available evidence is currently insufficient to determine the role of this variant in disease. Therefore, it has been classified as a Variant of Uncertain Significance.

Genetic Services Laboratory, University of Chicago
Classification: Uncertain significance. Last evaluated: 2020-02-05. Review status: criteria provided, single submitter. Criteria: ACMG Guidelines, 2015. Collection method: clinical testing. Allele origin: germline. Affected: no.
Comment: DNA sequence analysis of the NPAT gene demonstrated a sequence change, c.2867A>G, in exon 14 that results in an amino acid change, p.Gln956Arg. This sequence change does not appear to have been previously described in patients with NPAT-related disorders and has been described in the gnomAD database with a low population frequency of 0.00040% (dbSNP rs1193920145). The p.Gln956Arg change affects a highly conserved amino acid residue located in a domain of the NPAT protein that is not known to be functional. In-silico pathogenicity prediction tools (SIFT, PolyPhen2, Align GVGD, REVEL and in silico splice predictions) provide contradictory results for the p.Gln956Arg substitution. Due to these contrasting evidences and the lack of functional studies, the clinical significance of the p.Gln956Arg change remains unknown at this time